The following is an entry in ClinVar:

NM_000548.5(TSC2):c.4878_4881del (p.Thr1627fs)

Gene: TSC2 (TSC complex subunit 2; plus strand). Cytogenetic location: 16p13.3.
Variant type: Deletion.
Coding change: c.4878_4881del on transcript NM_000548.5 (MANE Select); coding-DNA positions 4878 to 4881, 4 bases deleted (CACC; older notation c.4878_4881delCACC).
Protein change: p.Thr1627fs; shifts the reading frame from threonine 1627.
Molecular consequence: frameshift variant.
Genome position (GRCh38, 1-based): chr16:2,086,760-2,086,763, CACC deleted; deleting any 4 consecutive bases within chr16:2,086,758-2,086,763 gives the same sequence; the c. name uses the placement nearest the transcript's 3' end. VCF-style (leftmost placement, unchanged base first): chr16-2086757-GCCCA-G. GRCh37 (hg19) VCF-style: chr16-2136758-GCCCA-G.
Other names: c.4878_4881delCACC (NM_000548.3); c.4677_4680del, p.Thr1560fs (NM_001077183.3); c.4809_4812del, p.Thr1604fs (NM_001114382.3); c.4569_4572del, p.Thr1524fs (NM_001318827.2); c.4533_4536del, p.Thr1512fs (NM_001318829.2); c.4146_4149del, p.Thr1383fs (NM_001318831.2); c.4710_4713del, p.Thr1571fs (NM_001318832.2); c.4680_4683del, p.Thr1561fs (NM_001363528.2); and 2 more; short protein forms T1524fs, T1583fs, T1584fs, T1512fs, T1560fs, T1383fs, T1604fs, T1627fs.
Identifiers: ClinVar variation 64908 (VCV000064908.3), dbSNP rs137854050, ClinGen allele CA021175.
Genomic context (GRCh38, chr16:2,086,757, plus strand): 5'-GCCCCACAAACCCATCCGGCCCTGCTCACCCTCAGCCGTCTTCCACATCGCCACCCTGAT[GCCCA>G]CCAAGGACGTGGACAAGCACCGCTGCGACAAGAAGCGCCACCTGGGCAACGACTTTGTGT-3'

ClinVar aggregate classification (germline): Pathogenic. Review status: criteria provided, single submitter (1 of 4 stars). 3 submissions from 2 submitters: Pathogenic (1). 2 of the submissions do not count toward it. Last evaluated 2017-06-15.

Conditions:
Tuberous sclerosis syndrome (TSC). Also called: Tuberous Sclerosis Complex; Tuberous sclerosis. Identifiers: Orphanet 805, MedGen C0041341, MONDO:0001734.

Submissions (3):

GeneDx
Classification: Pathogenic. Last evaluated: 2017-06-15. Review status: criteria provided, single submitter. Criteria: GeneDx Variant Classification (06012015). Collection method: clinical testing. Allele origin: germline. Affected: yes.
Comment: The c.4878_4881delCACC pathogenic variant in the TSC2 gene has been reported previously in an individual with a clinical diagnosis of TSC (Au et al., 2007). The c.4878_4881delCACC pathogenic variant in the TSC2 gene causes a frameshift starting with codon Threonine 1627, changes this amino acid to a Arginine residue and creates a premature Stop codon at position 44 of the new reading frame, denoted p.T1627RfsX44. This pathogenic variant is predicted to cause loss of normal protein function either through protein truncation or nonsense-mediated mRNA decay.

Tuberous sclerosis database (TSC2)
No classification provided. Condition: TSC. Review status: no classification provided. Criteria: Tuberous Sclerosis Database Assertion Criteria 2015. Collection method: curation. Allele origin: germline. Affected: yes. Not counted in ClinVar's aggregate classification.

Tuberous sclerosis database (TSC2)
No classification provided. Condition: TSC. Review status: flagged submission. Criteria: Tuberous Sclerosis Database Assertion Criteria 2015. Collection method: curation. Allele origin: germline. Affected: yes. Not counted in ClinVar's aggregate classification.
ClinVar note: Reason: This record appears to be redundant with a more recent record from the same submitter.
ClinVar note: Notes: SCV000067039 appears to be redundant with SCV000083327.